The following is an entry in ClinVar:

NM_005876.5(SPEG):c.7703A>G (p.Gln2568Arg)

Genes: ASIC4-AS1 (ASIC4 antisense RNA 1; minus strand), SPEG (striated muscle enriched protein kinase; plus strand). Cytogenetic location: 2q35.
Variant type: single nucleotide variant.
Coding change: c.7703A>G on transcript NM_005876.5 (MANE Select); coding-DNA position 7703, A replaced by G.
Protein change: p.Gln2568Arg; replaces glutamine 2568 with arginine.
Molecular consequence: missense variant.
Genome position (GRCh38, 1-based): chr2:219,485,439, A>G. VCF-style: chr2-219485439-A-G. GRCh37 (hg19) VCF-style: chr2-220350161-A-G.
Other names: c.7703A>G (NM_005876.4); short protein forms Q2568R.
Identifiers: ClinVar variation 1375634 (VCV001375634.7), dbSNP rs766431335, ClinGen allele CA2127255.

ClinVar aggregate classification (germline): Uncertain significance. Review status: criteria provided, multiple submitters, no conflicts (2 of 4 stars). 2 submissions from 2 submitters: Uncertain significance (2). Last evaluated 2024-12-23.

Conditions:
Inborn genetic diseases. Identifiers: MedGen C0950123, MeSH D030342.

Allele frequency attached by ClinVar (database versions not stated): gnomAD 0.00001; gnomAD exomes 0.00001; TOPMed 0.00002; ExAC 0.00003.
gnomAD v4.1: 6 of 1,603,186 alleles (0.00037%); highest among the groups gnomAD compares: Admixed American, 0.0034%; no homozygotes.

Submissions (2):

Ambry Genetics
Classification: Uncertain significance for Inborn genetic diseases. Last evaluated: 2024-12-23. Review status: criteria provided, single submitter. Criteria: Ambry Variant Classification Scheme 2023. Collection method: clinical testing. Allele origin: germline.

Labcorp Genetics (formerly Invitae), Labcorp
Classification: Uncertain significance. Last evaluated: 2022-03-08. Review status: criteria provided, single submitter. Criteria: Invitae Variant Classification Sherloc (09022015). Collection method: clinical testing. Allele origin: germline.
Comment: Algorithms developed to predict the effect of missense changes on protein structure and function (SIFT, PolyPhen-2, Align-GVGD) all suggest that this variant is likely to be tolerated. In summary, the available evidence is currently insufficient to determine the role of this variant in disease. Therefore, it has been classified as a Variant of Uncertain Significance. This sequence change replaces glutamine, which is neutral and polar, with arginine, which is basic and polar, at codon 2568 of the SPEG protein (p.Gln2568Arg). This variant is present in population databases (rs766431335, gnomAD 0.003%). This variant has not been reported in the literature in individuals affected with SPEG-related conditions.